The following is an entry in ClinVar:

ClinVar aggregate classification (germline): Uncertain significance (1 of 4 stars; one submission).

Conditions:
Developmental and epileptic encephalopathy 94 (DEE94). Also called: CHD2-Related Neurodevelopmental Disorders; Epileptic encephalopathy, childhood-onset. Identifiers: Orphanet 1942, Orphanet 2382, MedGen C3809278, MONDO:0014150, OMIM 615369.

Submission:

Labcorp Genetics (formerly Invitae), Labcorp
Classification: Uncertain significance for Developmental and epileptic encephalopathy 94. Last evaluated: 2018-02-27. Review status: criteria provided, single submitter. Criteria: Invitae Variant Classification Sherloc (09022015). Collection method: clinical testing. Allele origin: germline.
Comment: In summary, the available evidence is currently insufficient to determine the role of this variant in disease. Therefore, it has been classified as a Variant of Uncertain Significance. Algorithms developed to predict the effect of missense changes on protein structure and function do not agree on the potential impact of this missense change (SIFT: "Deleterious"; PolyPhen-2: "Benign"; Align-GVGD: "Class C0"). This variant has not been reported in the literature in individuals with CHD2-related disease. This variant is not present in population databases (ExAC no frequency). This sequence change replaces lysine with asparagine at codon 174 of the CHD2 protein (p.Lys174Asn). The lysine residue is moderately conserved and there is a moderate physicochemical difference between lysine and asparagine.

NM_001271.4(CHD2):c.522A>T (p.Lys174Asn)

Gene: CHD2 (chromodomain helicase DNA binding protein 2; plus strand). Cytogenetic location: 15q26.1.
Variant type: single nucleotide variant.
Coding change: c.522A>T on transcript NM_001271.4 (MANE Select); coding-DNA position 522, A replaced by T.
Protein change: p.Lys174Asn; replaces lysine 174 with asparagine.
Molecular consequence: missense variant.
Genome position (GRCh38, 1-based): chr15:92,937,596, A>T. VCF-style: chr15-92937596-A-T. GRCh37 (hg19) VCF-style: chr15-93480826-A-T.
Other names: c.522A>T, p.Lys174Asn (NM_001042572.3); short protein forms K174N.
Identifiers: ClinVar variation 1023986 (VCV001023986.9), dbSNP rs573405690, ClinGen allele CA393899869.
Genomic context (GRCh38, chr15:92,937,596, plus strand): 5'-ACCCTCAGAAGATGAACAGGAACAAGGCACCAGTGCAGAGAGTGAGCCAGAACAAAAAAA[A>T]GTAAAAGCCAGAAGACCTGTCCCCAGAAGGTGCACTGTTTGCTTAAGATCTCTACTTGGG-3'
Protein context (NP_001262.3, residues 164-184): TSAESEPEQK[Lys174Asn]VKARRPVPRR